The following is an entry in ClinVar:

ClinVar aggregate classification (germline): Conflicting classifications of pathogenicity. Review status: criteria provided, conflicting classifications (1 of 4 stars). 3 submissions from 3 submitters: Pathogenic (1); Likely pathogenic (1); Uncertain significance (1). Last evaluated 2026-09-10.

Conditions:
Brachyolmia-amelogenesis imperfecta syndrome. Also called: Tooth agenesis, selective, 6; Dental anomalies and short stature; PLATYSPONDYLY WITH AMELOGENESIS IMPERFECTA. Identifiers: Orphanet 2899, MedGen C1832594, MONDO:0011018, OMIM 601216. Disease mechanism: loss of function.

Submissions (3):

GeneDx
Classification: Pathogenic. Last evaluated: 2026-09-10. Review status: criteria provided, single submitter. Criteria: GeneDx Variant Classification Process June 2021. Collection method: clinical testing. Allele origin: germline.
Comment: In-frame duplication of 11 amino acids in a non-repeat region; Not observed at significant frequency in large population cohorts (gnomAD); Has not been previously published as pathogenic or benign to our knowledge

Labcorp Genetics (formerly Invitae), Labcorp
Classification: Uncertain significance for Brachyolmia-amelogenesis imperfecta syndrome. Last evaluated: 2025-03-26. Review status: criteria provided, single submitter. Criteria: Invitae Variant Classification Sherloc (09022015). Collection method: clinical testing. Allele origin: germline.
Comment: This variant, c.3877_3909dup, results in the insertion of 11 amino acid(s) of the LTBP3 protein (p.Pro1293_Arg1303dup), but otherwise preserves the integrity of the reading frame. This variant is not present in population databases (gnomAD no frequency). This variant has not been reported in the literature in individuals affected with LTBP3-related conditions. ClinVar contains an entry for this variant (Variation ID: 1393598). Experimental studies and prediction algorithms are not available or were not evaluated, and the functional significance of this variant is currently unknown. In summary, the available evidence is currently insufficient to determine the role of this variant in disease. Therefore, it has been classified as a Variant of Uncertain Significance.

Mendelics
Classification: Likely pathogenic for Brachyolmia-amelogenesis imperfecta syndrome. Last evaluated: 2022-05-04. Review status: criteria provided, single submitter. Criteria: Mendelics Assertion Criteria 2019. Collection method: clinical testing. Allele origin: germline.

NM_001130144.3(LTBP3):c.3877_3909dup (p.Pro1293_Arg1303dup)

Gene: LTBP3 (latent transforming growth factor beta binding protein 3; minus strand). Cytogenetic location: 11q13.1.
Variant type: Duplication.
Coding change: c.3877_3909dup on transcript NM_001130144.3 (MANE Select); coding-DNA positions 3877 to 3909, 33 bases duplicated.
Protein change: p.Pro1293_Arg1303dup.
Molecular consequence: inframe insertion.
Genome position (GRCh38, 1-based): chr11:65,539,083-65,539,115, 33 bases duplicated; duplicating any 33 consecutive bases within chr11:65,539,083-65,539,120 gives the same sequence; the c. name uses the placement nearest the transcript's 3' end. GRCh37 (hg19): chr11:65,306,559-65,306,591.
Other names: c.3877_3909dup (NM_001130144.2); c.3385_3417dup, p.Pro1129_Arg1139dup (NM_001164266.1); c.3736_3768dup, p.Pro1246_Arg1256dup (NM_021070.4).
Identifiers: ClinVar variation 1393598 (VCV001393598.11), dbSNP rs2135114515, ClinGen allele CA2573147464.
Genomic context (GRCh38, chr11:65,539,082, plus strand): 5'-GCTCGCGGAAATCCCTCAGTGATCACCGAGGTCTGGGCCGAGGGCGGCGTCGGCGGCGTC[A>AGCGGCGGCGCTGGGGAACGCAGGCCCCGTGCGG]GCGGCGGCGCTGGGGAACGCAGGCCCCGTGCGGGCGGCTGCGCGCGAAGCCGGCTTTGCA-3'